The following is an entry in ClinVar:

NM_000264.5(PTCH1):c.2512A>G (p.Lys838Glu)

Genes: PTCH1 (patched 1; minus strand), LOC100507346 (uncharacterized LOC100507346; plus strand). Cytogenetic location: 9q22.32.
Variant type: single nucleotide variant.
Coding change: c.2512A>G on transcript NM_000264.5 (MANE Select); coding-DNA position 2512, A replaced by G.
Protein change: p.Lys838Glu; replaces lysine 838 with glutamic acid.
Molecular consequence: missense variant. On other transcripts: non-coding transcript variant (2).
Genome position (GRCh38, 1-based): chr9:95,467,164, T>C on the plus strand (A>G on the coding strand, the complement: PTCH1 is on the minus strand). VCF-style: chr9-95467164-T-C. GRCh37 (hg19) VCF-style: chr9-98229446-T-C.
Other names: c.2314A>G, p.Lys772Glu (NM_001083602.3); c.2509A>G, p.Lys837Glu (NM_001083603.3); c.2059A>G, p.Lys687Glu (NM_001083604.3, NM_001083605.3, NM_001083606.3 and 1 more transcripts); c.2356A>G, p.Lys786Glu (NM_001354918.2); short protein forms K837E, K687E, K772E, K838E, K786E.
Identifiers: ClinVar variation 821383 (VCV000821383.4), dbSNP rs1185902807, ClinGen allele CA374113861.
Genomic context (GRCh38, chr9:95,467,164, plus strand): 5'-ACGCCGTCTTACCCTGAAGCCAGTCTCTGAAGTAGTGCAGCCACATTTTGGGAAGCTGTT[T>C]GTTTTCTTCCAACATGACATACTTCACGTTACTGAAACTCCTGTGTAGGTCGTAAAGTAA-3'
Protein context (NP_000255.2, residues 828-848): NVKYVMLEEN[Lys838Glu]QLPKMWLHYF

ClinVar aggregate classification (germline): Uncertain significance (1 of 4 stars; one submission).

Conditions:
Hereditary cancer-predisposing syndrome. Also called: Neoplastic Syndromes, Hereditary; Tumor predisposition; Hereditary Cancer Syndrome; Hereditary neoplastic syndrome. Identifiers: Orphanet 140162, MedGen C0027672, MeSH D009386, MONDO:0015356.

Allele frequency attached by ClinVar (database versions not stated): gnomAD exomes below 0.00001; gnomAD 0.00003.
gnomAD v4.1: 1 of 1,614,236 alleles (0.000062%); highest among the groups gnomAD compares: Non-Finnish European, 0.000085%; no homozygotes.

Submission:

Ambry Genetics
Classification: Uncertain significance for Hereditary cancer-predisposing syndrome. Last evaluated: 2019-08-30. Review status: criteria provided, single submitter. Criteria: Ambry Variant Classification Scheme 2023. Collection method: clinical testing. Allele origin: germline.
Comment: The p.K838E variant (also known as c.2512A>G), located in coding exon 15 of the PTCH1 gene, results from an A to G substitution at nucleotide position 2512. The lysine at codon 838 is replaced by glutamic acid, an amino acid with similar properties. This amino acid position is not well conserved in available vertebrate species. In addition, this alteration is predicted to be tolerated by in silico analysis. Since supporting evidence is limited at this time, the clinical significance of this alteration remains unclear.